The following is an entry in ClinVar:

NM_000051.4(ATM):c.7975T>G (p.Leu2659Val)

Genes: ATM (ATM serine/threonine kinase; plus strand), C11orf65 (chromosome 11 open reading frame 65; minus strand). Cytogenetic location: 11q22.3.
Variant type: single nucleotide variant.
Coding change: c.7975T>G on transcript NM_000051.4 (MANE Select); coding-DNA position 7975, T replaced by G.
Protein change: p.Leu2659Val; replaces leucine 2659 with valine.
Molecular consequence: missense variant. On other transcripts: intron variant (2).
Genome position (GRCh38, 1-based): chr11:108,333,933, T>G. VCF-style: chr11-108333933-T-G. GRCh37 (hg19) VCF-style: chr11-108204660-T-G.
Other names: c.7975T>G, p.Leu2659Val (NM_001351834.2); c.641-24862A>C (NM_001330368.2); c.*38+1287A>C (NM_001351110.2); short protein forms L2659V.
Identifiers: ClinVar variation 3384262 (VCV003384262.1).

ClinVar aggregate classification (germline): Uncertain significance (1 of 4 stars; one submission).

Submission:

GeneDx
Classification: Uncertain significance. Last evaluated: 2024-06-05. Review status: criteria provided, single submitter. Criteria: GeneDx Variant Classification Process June 2021. Collection method: clinical testing. Allele origin: germline. Affected: yes.
Comment: Not observed at significant frequency in large population cohorts (gnomAD); In silico analysis indicates that this missense variant does not alter protein structure/function; Has not been previously published as pathogenic or benign to our knowledge